The following is an entry in ClinVar:

NM_017654.4(SAMD9):c.275G>A (p.Ser92Asn)

Gene: SAMD9 (sterile alpha motif domain containing 9; minus strand). Cytogenetic location: 7q21.2.
Variant type: single nucleotide variant.
Coding change: c.275G>A on transcript NM_017654.4 (MANE Select); coding-DNA position 275, G replaced by A.
Protein change: p.Ser92Asn; replaces serine 92 with asparagine.
Molecular consequence: missense variant.
Genome position (GRCh38, 1-based): chr7:93,105,823, C>T on the plus strand (G>A on the coding strand, the complement: SAMD9 is on the minus strand). VCF-style: chr7-93105823-C-T. GRCh37 (hg19) VCF-style: chr7-92735136-C-T.
Other names: c.275G>A, p.Ser92Asn (NM_001193307.2); short protein forms S92N.
Identifiers: ClinVar variation 3602902 (VCV003602902.2).

ClinVar aggregate classification (germline): Uncertain significance. Review status: criteria provided, multiple submitters, no conflicts (2 of 4 stars). 2 submissions from 2 submitters: Uncertain significance (2). Last evaluated 2025-04-14.

Conditions:
Inborn genetic diseases. Identifiers: MedGen C0950123, MeSH D030342.

Submissions (2):

Ambry Genetics
Classification: Uncertain significance for Inborn genetic diseases. Last evaluated: 2025-04-14. Review status: criteria provided, single submitter. Criteria: Ambry Variant Classification Scheme 2023. Collection method: clinical testing. Allele origin: germline.
Comment: The p.S92N variant (also known as c.275G>A), located in coding exon 1 of the SAMD9 gene, results from a G to A substitution at nucleotide position 275. The serine at codon 92 is replaced by asparagine, an amino acid with highly similar properties. This amino acid position is conserved. In addition, this alteration is predicted to be tolerated by in silico analysis. Based on the available evidence, the clinical significance of this variant remains unclear.

GeneDx
Classification: Uncertain significance. Last evaluated: 2024-08-09. Review status: criteria provided, single submitter. Criteria: GeneDx Variant Classification Process June 2021. Collection method: clinical testing. Allele origin: germline. Affected: yes.
Comment: Not observed at significant frequency in large population cohorts (gnomAD); In silico analysis indicates that this missense variant does not alter protein structure/function; Has not been previously published as pathogenic or benign to our knowledge